The following is an entry in ClinVar:

NM_001367624.2(ZNF469):c.1625G>A (p.Gly542Asp)

Gene: ZNF469 (zinc finger protein 469; plus strand). Cytogenetic location: 16q24.2.
Variant type: single nucleotide variant.
Coding change: c.1625G>A on transcript NM_001367624.2 (MANE Select); coding-DNA position 1625, G replaced by A.
Protein change: p.Gly542Asp; replaces glycine 542 with aspartic acid.
Molecular consequence: missense variant.
Genome position (GRCh38, 1-based): chr16:88,429,095, G>A. VCF-style: chr16-88429095-G-A. GRCh37 (hg19) VCF-style: chr16-88495503-G-A.
Other names: short protein forms G542D.
Identifiers: ClinVar variation 1675639 (VCV001675639.33), dbSNP rs2142299887, ClinGen allele CA397067943.

ClinVar aggregate classification (germline): Uncertain significance (1 of 4 stars; one submission).

Allele frequency attached by ClinVar (database versions not stated): gnomAD exomes below 0.00001.
gnomAD v4.1: 1 of 1,550,014 alleles (0.000065%); highest among the groups gnomAD compares: Non-Finnish European, 0.000087%; no homozygotes.

Submission:

CeGaT Center for Human Genetics Tuebingen
Classification: Uncertain significance. Last evaluated: 2022-03-01. Review status: criteria provided, single submitter. Criteria: CeGaT Center For Human Genetics Tuebingen Variant Classification Criteria Version 2. Collection method: clinical testing. Allele origin: germline. Affected: yes. Observed: 1 variant allele.
Comment: ZNF469: PM2, BP1